The following is an entry in ClinVar:

ClinVar aggregate classification (germline): Pathogenic. Review status: criteria provided, multiple submitters, no conflicts (2 of 4 stars). 2 submissions from 2 submitters: Pathogenic (2). Last evaluated 2024-01-01.

Conditions:
Wilson disease (WND). Also called: Wilson's disease. Identifiers: Orphanet 905, MedGen C0019202, MONDO:0010200, OMIM 277900. Disease mechanism: loss of function.

Submissions (2):

Chongqing Key Laboratory of Child Rare Diseases in Infection and Immunity, Children’s Hospital of Chongqing Medical University
Classification: Pathogenic for Wilson disease. Last evaluated: 2024-01-01. Review status: criteria provided, single submitter. Criteria: ACMG Guidelines, 2015. Collection method: clinical testing. Allele origin: germline. Inheritance: Autosomal recessive inheritance. Affected: yes.
Comment: Classified as Pathogenic according to the ACMG/AMP 2015 guidelines (PMID:25741868). The classification was based on the available submitted evidence for Wilson disease (OMIM:277900), including clinical-testing observations, variant consequence/protein annotation, and published or ClinVar evidence where available. Supporting information considered: variant annotation: p.Ser808fs; Frameshift; Protein domain: TM-associated / cytosolic loop; submitted notation: NM_000053.4:c.2424_2425insA (p.Ser808fs); source variant type: Frameshift; source domain: TM-associated / cytosolic loop; allele count n=230: 1.

Labcorp Genetics (formerly Invitae), Labcorp
Classification: Pathogenic for Wilson disease. Last evaluated: 2022-04-16. Review status: criteria provided, single submitter. Criteria: Invitae Variant Classification Sherloc (09022015). Collection method: clinical testing. Allele origin: germline.
Comment: For these reasons, this variant has been classified as Pathogenic. Algorithms developed to predict the effect of sequence changes on RNA splicing suggest that this variant may create or strengthen a splice site. This premature translational stop signal has been observed in individual(s) with Wilson disease (PMID: 18034201). This variant is not present in population databases (gnomAD no frequency). This sequence change creates a premature translational stop signal (p.Gly809Argfs*2) in the ATP7B gene. It is expected to result in an absent or disrupted protein product. Loss-of-function variants in ATP7B are known to be pathogenic (PMID: 10441329, 16283883).

Literature cited by the submitters: PubMed 18034201 (cited by Labcorp Genetics (formerly Invitae), Labcorp); PubMed 10441329 (cited by Labcorp Genetics (formerly Invitae), Labcorp); PubMed 16283883 (cited by Labcorp Genetics (formerly Invitae), Labcorp).

NM_000053.4(ATP7B):c.2424_2425insA (p.Gly809fs)

Gene: ATP7B (ATPase copper transporting beta; minus strand). Cytogenetic location: 13q14.3.
Variant type: Insertion.
Coding change: c.2424_2425insA on transcript NM_000053.4 (MANE Select); coding-DNA positions 2424 to 2425, A inserted.
Protein change: p.Gly809fs; shifts the reading frame from glycine 809.
Molecular consequence: frameshift variant.
Genome position: GRCh38 VCF-style: chr13-51957538-C-CT. GRCh37 (hg19) VCF-style: chr13-52531674-C-CT.
Other names: c.1938_1939insA, p.Gly647fs (NM_001005918.3); c.2091_2092insA, p.Gly698fs (NM_001243182.2); c.2190_2191insA, p.Gly731fs (NM_001330578.2); c.2172_2173insA, p.Gly725fs (NM_001330579.2); c.2424_2425insA, p.Gly809Argfs (NM_001406511.1, NM_001406512.1, NM_001406513.1 and 7 more transcripts); c.2391_2392insA, p.Gly798Argfs (NM_001406514.1); c.2328_2329insA, p.Gly777Argfs (NM_001406517.1, NM_001406518.1); c.2280_2281insA, p.Gly761Argfs (NM_001406520.1, NM_001406521.1, NM_001406522.1 and 1 more transcripts); and 10 more; short protein forms G809fs, G647fs, G698fs, G731fs, G725fs.
Identifiers: ClinVar variation 2137526 (VCV002137526.5), dbSNP rs2547709665, ClinGen allele CA2580087640.